The following is an entry in ClinVar:

ClinVar aggregate classification (germline): Likely benign (0 of 4 stars; one submission).

Conditions:
YTHDC2-related disorder. Also called: YTHDC2-related condition.

Allele frequency attached by ClinVar (database versions not stated): gnomAD exomes 0.00008; ExAC 0.00027; 1000 Genomes Project 30x 0.00078; 1000 Genomes Project 0.00080; gnomAD 0.00089; TOPMed 0.00091; ESP Exome Variant Server 0.00092.
gnomAD v4.1: 256 of 1,614,098 alleles (0.016%); highest among the groups gnomAD compares: African/African-American, 0.31%; no homozygotes.

Submission:

PreventionGenetics, part of Exact Sciences
Classification: Likely benign for YTHDC2-related condition. Last evaluated: 2022-10-27. Review status: no assertion criteria provided. Collection method: clinical testing. Allele origin: germline.
Comment: This variant is classified as likely benign based on ACMG/AMP sequence variant interpretation guidelines (Richards et al. 2015 PMID: 25741868, with internal and published modifications).

NM_022828.5(YTHDC2):c.794G>A (p.Arg265Gln)

Gene: YTHDC2 (YTH N6-methyladenosine RNA binding protein C2; plus strand). Cytogenetic location: 5q22.2.
Variant type: single nucleotide variant.
Coding change: c.794G>A on transcript NM_022828.5 (MANE Select); coding-DNA position 794, G replaced by A.
Protein change: p.Arg265Gln; replaces arginine 265 with glutamine.
Molecular consequence: missense variant. On other transcripts: 5 prime UTR variant (1).
Genome position (GRCh38, 1-based): chr5:113,532,997, G>A. VCF-style: chr5-113532997-G-A. GRCh37 (hg19) VCF-style: chr5-112868694-G-A.
Other names: c.308G>A, p.Arg103Gln (NM_001345975.2); c.-107G>A (NM_001345976.2); short protein forms R103Q, R265Q.
Identifiers: ClinVar variation 3051259 (VCV003051259.2), dbSNP rs145755313, ClinGen allele CA3371569.